The following is an entry in ClinVar:

ClinVar aggregate classification (germline): Uncertain significance. Review status: criteria provided, multiple submitters, no conflicts (2 of 4 stars). 2 submissions from 2 submitters: Uncertain significance (2). Last evaluated 2024-06-07.

Conditions:
Inborn genetic diseases. Identifiers: MedGen C0950123, MeSH D030342.

Allele frequency attached by ClinVar (database versions not stated): gnomAD exomes 0.00002 and 0.00003; TOPMed 0.00002; ESP Exome Variant Server 0.00008; ExAC 0.00001; gnomAD 0.00001.
gnomAD v4.1: 30 of 1,614,024 alleles (0.0019%); highest among the groups gnomAD compares: Non-Finnish European, 0.0025%; no homozygotes.

Submissions (2):

Ambry Genetics
Classification: Uncertain significance for Inborn genetic diseases. Last evaluated: 2024-06-07. Review status: criteria provided, single submitter. Criteria: Ambry Variant Classification Scheme 2023. Collection method: clinical testing. Allele origin: germline.

Labcorp Genetics (formerly Invitae), Labcorp
Classification: Uncertain significance. Last evaluated: 2021-11-19. Review status: criteria provided, single submitter. Criteria: Invitae Variant Classification Sherloc (09022015). Collection method: clinical testing. Allele origin: germline.
Comment: In summary, the available evidence is currently insufficient to determine the role of this variant in disease. Therefore, it has been classified as a Variant of Uncertain Significance. Algorithms developed to predict the effect of missense changes on protein structure and function are either unavailable or do not agree on the potential impact of this missense change (SIFT: "Tolerated"; PolyPhen-2: "Possibly Damaging"; Align-GVGD: "Class C0"). This variant has not been reported in the literature in individuals affected with SFRP4-related conditions. This variant is present in population databases (rs377005166, gnomAD 0.006%). This sequence change replaces valine, which is neutral and non-polar, with isoleucine, which is neutral and non-polar, at codon 254 of the SFRP4 protein (p.Val254Ile).

NM_003014.4(SFRP4):c.760G>A (p.Val254Ile)

Gene: SFRP4 (secreted frizzled related protein 4; minus strand). Cytogenetic location: 7p14.1.
Variant type: single nucleotide variant.
Coding change: c.760G>A on transcript NM_003014.4 (MANE Select); coding-DNA position 760, G replaced by A.
Protein change: p.Val254Ile; replaces valine 254 with isoleucine.
Molecular consequence: missense variant.
Genome position (GRCh38, 1-based): chr7:37,912,150, C>T on the plus strand (G>A on the coding strand, the complement: SFRP4 is on the minus strand). VCF-style: chr7-37912150-C-T. GRCh37 (hg19) VCF-style: chr7-37951752-C-T.
Other names: c.760G>A (NM_003014.3); short protein forms V254I.
Identifiers: ClinVar variation 1420327 (VCV001420327.7), dbSNP rs377005166, ClinGen allele CA4222746.